The following is an entry in ClinVar:

NM_024529.5(CDC73):c.423+6G>T

Gene: CDC73 (cell division cycle 73; plus strand). Cytogenetic location: 1q31.2.
Variant type: single nucleotide variant.
Coding change: c.423+6G>T on transcript NM_024529.5 (MANE Select); 6 bases into the intron after coding-DNA position 423, G replaced by T.
Molecular consequence: intron variant.
Genome position (GRCh38, 1-based): chr1:193,135,595, G>T. VCF-style: chr1-193135595-G-T. GRCh37 (hg19) VCF-style: chr1-193104725-G-T.
Identifiers: ClinVar variation 2157412 (VCV002157412.1), dbSNP rs749344710, ClinGen allele CA1303354.

ClinVar aggregate classification (germline): Uncertain significance (1 of 4 stars; one submission).

Conditions:
Parathyroid carcinoma (PRTC). Also called: CDC73-Related Parathyroid Carcinoma; Parathyroid gland carcinoma. Identifiers: Orphanet 143, MedGen C0687150, MONDO:0012004, OMIM 608266, HP:0006780.

Allele frequency attached by ClinVar (database versions not stated): gnomAD exomes below 0.00001; ExAC 0.00001; gnomAD 0.00001.
gnomAD v4.1: 7 of 1,598,796 alleles (0.00044%); highest among the groups gnomAD compares: Non-Finnish European, 0.0006%; no homozygotes.

Submission:

Labcorp Genetics (formerly Invitae), Labcorp
Classification: Uncertain significance for Parathyroid carcinoma. Last evaluated: 2022-03-09. Review status: criteria provided, single submitter. Criteria: Invitae Variant Classification Sherloc (09022015). Collection method: clinical testing. Allele origin: germline.
Comment: This sequence change falls in intron 5 of the CDC73 gene. It does not directly change the encoded amino acid sequence of the CDC73 protein. It affects a nucleotide within the consensus splice site. This variant is present in population databases (rs749344710, gnomAD 0.002%). This variant has not been reported in the literature in individuals affected with CDC73-related conditions. Variants that disrupt the consensus splice site are a relatively common cause of aberrant splicing (PMID: 17576681, 9536098). Algorithms developed to predict the effect of sequence changes on RNA splicing suggest that this variant is not likely to affect RNA splicing. In summary, the available evidence is currently insufficient to determine the role of this variant in disease. Therefore, it has been classified as a Variant of Uncertain Significance.

Literature cited by the submitters: PubMed 17576681; PubMed 9536098.